The following is an entry in ClinVar:

NM_007255.3(B4GALT7):c.509A>G (p.Asn170Ser)

Gene: B4GALT7 (beta-1,4-galactosyltransferase 7; plus strand). Cytogenetic location: 5q35.3.
Variant type: single nucleotide variant.
Coding change: c.509A>G on transcript NM_007255.3 (MANE Select); coding-DNA position 509, A replaced by G.
Protein change: p.Asn170Ser; replaces asparagine 170 with serine.
Molecular consequence: missense variant.
Genome position (GRCh38, 1-based): chr5:177,607,397, A>G. VCF-style: chr5-177607397-A-G. GRCh37 (hg19) VCF-style: chr5-177034398-A-G.
Other names: short protein forms N170S.
Identifiers: ClinVar variation 1482626 (VCV001482626.8), dbSNP rs2127513256, ClinGen allele CA362375363.

ClinVar aggregate classification (germline): Uncertain significance (1 of 4 stars; one submission).

Conditions:
Spondylodysplastic Ehlers-Danlos syndrome. Identifiers: Orphanet 536471, Orphanet 75496, MedGen C5680154, MONDO:0007526.

Submission:

Labcorp Genetics (formerly Invitae), Labcorp
Classification: Uncertain significance for Spondylodysplastic Ehlers-Danlos syndrome. Last evaluated: 2024-10-17. Review status: criteria provided, single submitter. Criteria: Invitae Variant Classification Sherloc (09022015). Collection method: clinical testing. Allele origin: germline.
Comment: This sequence change replaces asparagine, which is neutral and polar, with serine, which is neutral and polar, at codon 170 of the B4GALT7 protein (p.Asn170Ser). This variant is not present in population databases (gnomAD no frequency). This variant has not been reported in the literature in individuals affected with B4GALT7-related conditions. ClinVar contains an entry for this variant (Variation ID: 1482626). Invitae Evidence Modeling of protein sequence and biophysical properties (such as structural, functional, and spatial information, amino acid conservation, physicochemical variation, residue mobility, and thermodynamic stability) indicates that this missense variant is not expected to disrupt B4GALT7 protein function with a negative predictive value of 80%. In summary, the available evidence is currently insufficient to determine the role of this variant in disease. Therefore, it has been classified as a Variant of Uncertain Significance.